The following is an entry in ClinVar:

NM_000545.8(HNF1A):c.1146_1156del (p.Leu383fs)

Gene: HNF1A (HNF1 homeobox A; plus strand). Cytogenetic location: 12q24.31.
Variant type: Deletion.
Coding change: c.1146_1156del on transcript NM_000545.8 (MANE Select); coding-DNA positions 1146 to 1156, 11 bases deleted (CCTGACAGCAC).
Protein change: p.Leu383fs; shifts the reading frame from leucine 383.
Molecular consequence: frameshift variant.
Genome position (GRCh38, 1-based): chr12:120,996,579-120,996,589, CCTGACAGCAC deleted; deleting any 11 consecutive bases within chr12:120,996,573-120,996,589 gives the same sequence; the c. name uses the placement nearest the transcript's 3' end. VCF-style (leftmost placement, unchanged base first): chr12-120996572-TCAGCACCCTGA-T. GRCh37 (hg19) VCF-style: chr12-121434375-TCAGCACCCTGA-T.
Other names: c.1146_1156del, p.Leu383fs (NM_001306179.2, NM_001406915.1); short protein forms L383fs.
Identifiers: ClinVar variation 3659160 (VCV003659160.2).

ClinVar aggregate classification (germline): Pathogenic (1 of 4 stars; one submission).

Submission:

Labcorp Genetics (formerly Invitae), Labcorp
Classification: Pathogenic. Last evaluated: 2024-07-10. Review status: criteria provided, single submitter. Criteria: Invitae Variant Classification Sherloc (09022015). Collection method: clinical testing. Allele origin: germline.
Comment: This sequence change creates a premature translational stop signal (p.Leu383Alafs*32) in the HNF1A gene. It is expected to result in an absent or disrupted protein product. Loss-of-function variants in HNF1A are known to be pathogenic (PMID: 15928245, 18003757). This variant is not present in population databases (gnomAD no frequency). This premature translational stop signal has been observed in individual(s) with maturity‑onset diabetes of the young (PMID: 36208343). For these reasons, this variant has been classified as Pathogenic.

Literature cited by the submitters: PubMed 15928245; PubMed 18003757; PubMed 36208343.